The following is an entry in ClinVar:

ClinVar aggregate classification (germline): Uncertain significance (1 of 4 stars; one submission).

Conditions:
Glycine encephalopathy. Also called: Non-ketotic hyperglycinemia; Nonketotic hyperglycinemia. Identifiers: Orphanet 407, MedGen C0751748, MONDO:0011612, HP:0008288.

Allele frequency attached by ClinVar (database versions not stated): gnomAD exomes below 0.00001.
gnomAD v4.1: 1 of 1,614,122 alleles (0.000062%); highest among the groups gnomAD compares: Admixed American, 0.0017%; no homozygotes.

Submission:

Labcorp Genetics (formerly Invitae), Labcorp
Classification: Uncertain significance for Glycine encephalopathy. Last evaluated: 2022-01-28. Review status: criteria provided, single submitter. Criteria: Invitae Variant Classification Sherloc (09022015). Collection method: clinical testing. Allele origin: germline.
Comment: This sequence change replaces leucine, which is neutral and non-polar, with phenylalanine, which is neutral and non-polar, at codon 438 of the GLDC protein (p.Leu438Phe). This variant is present in population databases (no rsID available, gnomAD 0.003%). This variant has not been reported in the literature in individuals affected with GLDC-related conditions. Advanced modeling of protein sequence and biophysical properties (such as structural, functional, and spatial information, amino acid conservation, physicochemical variation, residue mobility, and thermodynamic stability) performed at Invitae indicates that this missense variant is expected to disrupt GLDC protein function. In summary, the available evidence is currently insufficient to determine the role of this variant in disease. Therefore, it has been classified as a Variant of Uncertain Significance.

NM_000170.3(GLDC):c.1314G>C (p.Leu438Phe)

Gene: GLDC (glycine decarboxylase; minus strand). Cytogenetic location: 9p24.1.
Variant type: single nucleotide variant.
Coding change: c.1314G>C on transcript NM_000170.3 (MANE Select); coding-DNA position 1314, G replaced by C.
Protein change: p.Leu438Phe; replaces leucine 438 with phenylalanine.
Molecular consequence: missense variant.
Genome position (GRCh38, 1-based): chr9:6,592,938, C>G on the plus strand (G>C on the coding strand, the complement: GLDC is on the minus strand). VCF-style: chr9-6592938-C-G. GRCh37 (hg19) VCF-style: chr9-6592938-C-G.
Other names: short protein forms L438F.
Identifiers: ClinVar variation 1439771 (VCV001439771.5), dbSNP rs1286813560, ClinGen allele CA372894071.